The following is an entry in ClinVar:

NM_000128.4(F11):c.1305-2A>G

Gene: F11 (coagulation factor XI; plus strand). Cytogenetic location: 4q35.2.
Variant type: single nucleotide variant.
Coding change: c.1305-2A>G on transcript NM_000128.4 (MANE Select); the canonical splice acceptor site of the intron before coding-DNA position 1305, A replaced by G.
Molecular consequence: splice acceptor variant.
Genome position (GRCh38, 1-based): chr4:186,285,636, A>G. VCF-style: chr4-186285636-A-G. GRCh37 (hg19) VCF-style: chr4-187206790-A-G.
Identifiers: ClinVar variation 2572126 (VCV002572126.1), dbSNP rs1389121348, ClinGen allele CA358942801.

ClinVar aggregate classification (germline): Likely pathogenic (1 of 4 stars; one submission).

Conditions:
Hereditary factor XI deficiency disease. Also called: Congenital factor XI deficiency; PLASMA THROMBOPLASTIN ANTECEDENT DEFICIENCY; PTA DEFICIENCY; ROSENTHAL SYNDROME. Identifiers: Orphanet 329, MedGen C0015523, MeSH D005173, MONDO:0012897, OMIM 612416.

Submission:

ISTH-SSC Genomics in Thrombosis and Hemostasis, KU Leuven, Center for Molecular and Vascular Biology
Classification: Likely pathogenic for Hereditary factor XI deficiency disease. Review status: criteria provided, single submitter. Criteria: ACMG Guidelines, 2015. Collection method: clinical testing. Allele origin: germline. Affected: yes. Observed: 1 heterozygote.
Comment: Submitted to the GoldVariant database by Kathleen Freson, Center for Molecular and Vascular Biology